The following is an entry in ClinVar:

ClinVar aggregate classification (germline): Uncertain significance (1 of 4 stars; one submission).

Conditions:
Muscle AMP deaminase deficiency (MMDD). Also called: Myoadenylate deaminase deficiency, myopathy due to; Adenosine monophosphate deaminase 1 deficiency; AMP deaminase 1 deficiency; Adenosine Monophosphate Deaminase 1; ADENOSINE MONOPHOSPHATE DEAMINASE-1 DEFICIENCY, MYOPATHY DUE TO; AMPD1 DEFICIENCY. Identifiers: Orphanet 45, MedGen C3714933, MONDO:0014220, OMIM 615511.

gnomAD v4.1: 6 of 1,613,516 alleles (0.00037%); highest among the groups gnomAD compares: Non-Finnish European, 0.00042%; no homozygotes.

Submission:

Labcorp Genetics (formerly Invitae), Labcorp
Classification: Uncertain significance for Muscle AMP deaminase deficiency. Last evaluated: 2021-07-22. Review status: criteria provided, single submitter. Criteria: Invitae Variant Classification Sherloc (09022015). Collection method: clinical testing. Allele origin: germline.
Comment: This variant has not been reported in the literature in individuals affected with AMPD1-related conditions. This variant is not present in population databases (ExAC no frequency). This sequence change replaces glutamine with arginine at codon 453 of the AMPD1 protein (p.Gln453Arg). The glutamine residue is highly conserved and there is a small physicochemical difference between glutamine and arginine. In summary, the available evidence is currently insufficient to determine the role of this variant in disease. Therefore, it has been classified as a Variant of Uncertain Significance. Algorithms developed to predict the effect of missense changes on protein structure and function (SIFT, PolyPhen-2, Align-GVGD) all suggest that this variant is likely to be disruptive.

NM_000036.3(AMPD1):c.1259A>G (p.Gln420Arg)

Gene: AMPD1 (adenosine monophosphate deaminase 1; minus strand). Cytogenetic location: 1p13.2.
Variant type: single nucleotide variant.
Coding change: c.1259A>G on transcript NM_000036.3 (MANE Select); coding-DNA position 1259, A replaced by G.
Protein change: p.Gln420Arg; replaces glutamine 420 with arginine.
Molecular consequence: missense variant.
Genome position (GRCh38, 1-based): chr1:114,677,480, T>C on the plus strand (A>G on the coding strand, the complement: AMPD1 is on the minus strand). VCF-style: chr1-114677480-T-C. GRCh37 (hg19) VCF-style: chr1-115220101-T-C.
Other names: c.1247A>G, p.Gln416Arg (NM_001172626.2); short protein forms Q420R, Q416R.
Identifiers: ClinVar variation 1466693 (VCV001466693.8), dbSNP rs1207724365, ClinGen allele CA341748700.